The following is an entry in ClinVar:

NM_000038.6(APC):c.202T>G (p.Leu68Val)

Gene: APC (APC regulator of Wnt signaling pathway; plus strand). Cytogenetic location: 5q22.2.
Variant type: single nucleotide variant.
Coding change: c.202T>G on transcript NM_000038.6 (MANE Select); coding-DNA position 202, T replaced by G.
Protein change: p.Leu68Val; replaces leucine 68 with valine.
Molecular consequence: missense variant. On other transcripts: 5 prime UTR variant (4), non-coding transcript variant (2).
Genome position (GRCh38, 1-based): chr5:112,766,392, T>G. VCF-style: chr5-112766392-T-G. GRCh37 (hg19) VCF-style: chr5-112102089-T-G.
Other names: c.202T>G, p.Leu68Val (NM_001127510.3, NM_001354895.2, NM_001354896.2 and 16 more transcripts); c.232T>G, p.Leu78Val (NM_001127511.3, NM_001354897.2, NM_001354902.2 and 1 more transcripts); c.127T>G, p.Leu43Val (NM_001354898.2, NM_001354904.2, NM_001407451.1); c.25T>G, p.Leu9Val (NM_001354900.2, NM_001354901.2, NM_001354905.2 and 1 more transcripts); c.-834T>G (NM_001354906.2, NM_001407470.1, NM_001407471.1 and 1 more transcripts); short protein forms L43V, L9V, L68V, L78V.
Identifiers: ClinVar variation 2717302 (VCV002717302.3), dbSNP rs1756332227, ClinGen allele CA16021785.

ClinVar aggregate classification (germline): Uncertain significance (1 of 4 stars; one submission).

Conditions:
Familial adenomatous polyposis 1 (FAP1). Also called: FAMILIAL ADENOMATOUS POLYPOSIS 1, ATTENUATED; POLYPOSIS, ADENOMATOUS INTESTINAL. Identifiers: MedGen C2713442, MONDO:0021056, OMIM 175100. Disease mechanism: loss of function.

Submission:

Labcorp Genetics (formerly Invitae), Labcorp
Classification: Uncertain significance for Familial adenomatous polyposis 1. Last evaluated: 2023-09-04. Review status: criteria provided, single submitter. Criteria: Invitae Variant Classification Sherloc (09022015). Collection method: clinical testing. Allele origin: germline.
Comment: This sequence change replaces leucine, which is neutral and non-polar, with valine, which is neutral and non-polar, at codon 68 of the APC protein (p.Leu68Val). This variant is not present in population databases (gnomAD no frequency). This variant has not been reported in the literature in individuals affected with APC-related conditions. Advanced modeling of protein sequence and biophysical properties (such as structural, functional, and spatial information, amino acid conservation, physicochemical variation, residue mobility, and thermodynamic stability) performed at Invitae indicates that this missense variant is not expected to disrupt APC protein function. In summary, the available evidence is currently insufficient to determine the role of this variant in disease. Therefore, it has been classified as a Variant of Uncertain Significance.